The following is an entry in ClinVar:

ClinVar aggregate classification (germline): Uncertain significance. Review status: criteria provided, multiple submitters, no conflicts (2 of 4 stars). 3 submissions from 3 submitters: Uncertain significance (3). Last evaluated 2024-08-20.

Conditions:
Primary ciliary dyskinesia. Also called: Ciliary dyskinesia. Identifiers: Orphanet 244, MedGen C0008780, MONDO:0016575, HP:0012265.

Allele frequency attached by ClinVar (database versions not stated): ESP Exome Variant Server 0.00008; gnomAD 0.00008; gnomAD exomes 0.00009; ExAC 0.00012; 1000 Genomes Project 30x 0.00016; 1000 Genomes Project 0.00020; TOPMed 0.00003.
gnomAD v4.1: 120 of 1,613,698 alleles (0.0074%); highest among the groups gnomAD compares: Middle Eastern, 0.05%; no homozygotes.

Submissions (3):

Mayo Clinic Laboratories, Mayo Clinic
Classification: Uncertain significance. Last evaluated: 2024-08-20. Review status: criteria provided, single submitter. Criteria: ACMG Guidelines, 2015. Collection method: clinical testing. Allele origin: germline. Observed: 1 variant allele.
Comment: BP4, PM2

Ambry Genetics
Classification: Uncertain significance for Primary ciliary dyskinesia. Last evaluated: 2023-10-20. Review status: criteria provided, single submitter. Criteria: Ambry Variant Classification Scheme 2023. Collection method: clinical testing. Allele origin: germline.

Labcorp Genetics (formerly Invitae), Labcorp
Classification: Uncertain significance for Primary ciliary dyskinesia. Last evaluated: 2023-10-03. Review status: criteria provided, single submitter. Criteria: Invitae Variant Classification Sherloc (09022015). Collection method: clinical testing. Allele origin: germline.
Comment: This sequence change replaces glycine, which is neutral and non-polar, with arginine, which is basic and polar, at codon 818 of the DNAAF5 protein (p.Gly818Arg). This variant is present in population databases (rs376897902, gnomAD 0.02%). This variant has not been reported in the literature in individuals affected with DNAAF5-related conditions. ClinVar contains an entry for this variant (Variation ID: 581389). Advanced modeling of protein sequence and biophysical properties (such as structural, functional, and spatial information, amino acid conservation, physicochemical variation, residue mobility, and thermodynamic stability) performed at Invitae indicates that this missense variant is not expected to disrupt DNAAF5 protein function. In summary, the available evidence is currently insufficient to determine the role of this variant in disease. Therefore, it has been classified as a Variant of Uncertain Significance.

NM_017802.4(DNAAF5):c.2452G>A (p.Gly818Arg)

Gene: DNAAF5 (dynein axonemal assembly factor 5; plus strand). Cytogenetic location: 7p22.3.
Variant type: single nucleotide variant.
Coding change: c.2452G>A on transcript NM_017802.4 (MANE Select); coding-DNA position 2452, G replaced by A.
Protein change: p.Gly818Arg; replaces glycine 818 with arginine.
Molecular consequence: missense variant. On other transcripts: non-coding transcript variant (1).
Genome position (GRCh38, 1-based): chr7:785,537, G>A. VCF-style: chr7-785537-G-A. GRCh37 (hg19) VCF-style: chr7-825174-G-A.
Other names: p.Gly818Arg; short protein forms G818R.
Identifiers: ClinVar variation 581389 (VCV000581389.9), dbSNP rs376897902, ClinGen allele CA4111220.